The following is an entry in ClinVar:

NM_001844.5(COL2A1):c.3283G>T (p.Gly1095Cys)

Gene: COL2A1 (collagen type II alpha 1 chain; minus strand). Cytogenetic location: 12q13.11.
Variant type: single nucleotide variant.
Coding change: c.3283G>T on transcript NM_001844.5 (MANE Select); coding-DNA position 3283, G replaced by T.
Protein change: p.Gly1095Cys; replaces glycine 1095 with cysteine.
Molecular consequence: missense variant.
Genome position (GRCh38, 1-based): chr12:47,977,146, C>A on the plus strand (G>T on the coding strand, the complement: COL2A1 is on the minus strand). VCF-style: chr12-47977146-C-A. GRCh37 (hg19) VCF-style: chr12-48370929-C-A.
Other names: c.3076G>T, p.Gly1026Cys (NM_033150.3); short protein forms G1026C, G1095C.
Identifiers: ClinVar variation 1388501 (VCV001388501.8), dbSNP rs2136520078, ClinGen allele CA384539762.

ClinVar aggregate classification (germline): Pathogenic (1 of 4 stars; one submission).

Submission:

Labcorp Genetics (formerly Invitae), Labcorp
Classification: Pathogenic. Last evaluated: 2022-10-27. Review status: criteria provided, single submitter. Criteria: Invitae Variant Classification Sherloc (09022015). Collection method: clinical testing. Allele origin: germline.
Comment: For these reasons, this variant has been classified as Pathogenic. This variant disrupts the triple helix domain of COL2A1. Glycine residues within the Gly-Xaa-Yaa repeats of the triple helix domain are required for the structure and stability of fibrillar collagens (PMID: 7695699, 8218237, 19344236). In COL2A1, variants affecting these glycine residues are significantly enriched in individuals with disease (PMID: 9016532, 17078022) compared to the general population (ExAC). Advanced modeling of protein sequence and biophysical properties (such as structural, functional, and spatial information, amino acid conservation, physicochemical variation, residue mobility, and thermodynamic stability) performed at Invitae indicates that this missense variant is expected to disrupt COL2A1 protein function. ClinVar contains an entry for this variant (Variation ID: 1388501). This variant is also known as p.Gly895Cys. This missense change has been observed in individual(s) with clinical features of spondyloepiphyseal dysplasia (Invitae). It has also been observed to segregate with disease in related individuals. This variant is not present in population databases (gnomAD no frequency). This sequence change replaces glycine, which is neutral and non-polar, with cysteine, which is neutral and slightly polar, at codon 1095 of the COL2A1 protein (p.Gly1095Cys).

Literature cited by the submitters: PubMed 7695699; PubMed 8218237; PubMed 19344236; PubMed 9016532; PubMed 17078022.